The following is an entry in ClinVar:

ClinVar aggregate classification (germline): Uncertain significance. Review status: criteria provided, multiple submitters, no conflicts (2 of 4 stars). 2 submissions from 2 submitters: Uncertain significance (2). Last evaluated 2024-07-19.

Conditions:
Hereditary pheochromocytoma and paraganglioma. Also called: Hereditary paragangliomas and pheochromocytomas; Hereditary Paraganglioma-Pheochromocytoma Syndromes; Hereditary pheochromocytoma-paraganglioma. Identifiers: Orphanet 29072, MedGen C4274332, MONDO:0017366.
Hereditary cancer-predisposing syndrome. Also called: Tumor predisposition; Hereditary Cancer Syndrome; Hereditary neoplastic syndrome; Neoplastic Syndromes, Hereditary. Identifiers: Orphanet 140162, MedGen C0027672, MeSH D009386, MONDO:0015356.

Submissions (2):

Labcorp Genetics (formerly Invitae), Labcorp
Classification: Uncertain significance for Hereditary pheochromocytoma and paraganglioma. Last evaluated: 2024-07-19. Review status: criteria provided, single submitter. Criteria: Invitae Variant Classification Sherloc (09022015). Collection method: clinical testing. Allele origin: germline.
Comment: This sequence change replaces phenylalanine, which is neutral and non-polar, with isoleucine, which is neutral and non-polar, at codon 18 of the MAX protein (p.Phe18Ile). This variant is not present in population databases (gnomAD no frequency). This variant has not been reported in the literature in individuals affected with MAX-related conditions. ClinVar contains an entry for this variant (Variation ID: 1350195). An algorithm developed to predict the effect of missense changes on protein structure and function (PolyPhen-2) suggests that this variant is likely to be tolerated. In summary, the available evidence is currently insufficient to determine the role of this variant in disease. Therefore, it has been classified as a Variant of Uncertain Significance.

Ambry Genetics
Classification: Uncertain significance for Hereditary cancer-predisposing syndrome. Last evaluated: 2024-05-23. Review status: criteria provided, single submitter. Criteria: Ambry Variant Classification Scheme 2023. Collection method: clinical testing. Allele origin: germline.
Comment: The p.F18I variant (also known as c.52T>A), located in coding exon 2 of the MAX gene, results from a T to A substitution at nucleotide position 52. The phenylalanine at codon 18 is replaced by isoleucine, an amino acid with highly similar properties. This amino acid position is well conserved in available vertebrate species. In addition, the in silico prediction for this alteration is inconclusive. Based on the available evidence, the clinical significance of this variant remains unclear.

NM_002382.5(MAX):c.52T>A (p.Phe18Ile)

Gene: MAX (MYC associated transcriptional regulator X; minus strand). Cytogenetic location: 14q23.3.
Variant type: single nucleotide variant.
Coding change: c.52T>A on transcript NM_002382.5 (MANE Select); coding-DNA position 52, T replaced by A.
Protein change: p.Phe18Ile; replaces phenylalanine 18 with isoleucine.
Molecular consequence: missense variant. On other transcripts: 5 prime UTR variant (1), intron variant (3).
Genome position (GRCh38, 1-based): chr14:65,101,557, A>T on the plus strand (T>A on the coding strand, the complement: MAX is on the minus strand). VCF-style: chr14-65101557-A-T. GRCh37 (hg19) VCF-style: chr14-65568275-A-T.
Other names: c.-223T>A (NM_001320415.2); c.52T>A, p.Phe18Ile (NM_145113.3, NM_145114.3, NM_197957.4); c.36+747T>A (NM_001271069.2, NM_145112.3, NM_001271068.2); short protein forms F18I.
Identifiers: ClinVar variation 1350195 (VCV001350195.9), dbSNP rs2139963969, ClinGen allele CA390038746.